The following is an entry in ClinVar:

NM_004946.3(DOCK2):c.5027C>G (p.Pro1676Arg)

Gene: DOCK2 (dedicator of cytokinesis 2; plus strand). Cytogenetic location: 5q35.1.
Variant type: single nucleotide variant.
Coding change: c.5027C>G on transcript NM_004946.3 (MANE Select); coding-DNA position 5027, C replaced by G.
Protein change: p.Pro1676Arg; replaces proline 1676 with arginine.
Molecular consequence: missense variant. On other transcripts: non-coding transcript variant (1).
Genome position (GRCh38, 1-based): chr5:170,079,007, C>G. VCF-style: chr5-170079007-C-G. GRCh37 (hg19) VCF-style: chr5-169506011-C-G.
Other names: short protein forms P1676R.
Identifiers: ClinVar variation 785732 (VCV000785732.14), dbSNP rs150108225, ClinGen allele CA3554748.
Genomic context (GRCh38, chr5:170,079,007, plus strand): 5'-TTCTATTGCTGCCCCTCTGGCCTTTCAGCTTTGACCTGGAATTAGCATCACCCAAGACGC[C>G]GAGAGTGGAGCAGGAGGAACCGATCTCCCCGGGGAGCACCCTGCCTGAGGTCAAGCTGCG-3'
Protein context (NP_004937.1, residues 1666-1686): FDLELASPKT[Pro1676Arg]RVEQEEPISP

ClinVar aggregate classification (germline): Conflicting classifications of pathogenicity. Review status: criteria provided, conflicting classifications (1 of 4 stars). 4 submissions from 4 submitters: Uncertain significance (1); Likely benign (2). 1 of the submissions does not count toward it. Last evaluated 2026-04-13.

Conditions:
DOCK2-related disorder. Also called: DOCK2-related condition.
DOCK2 deficiency. Also called: Immunodeficiency 40. Identifiers: Orphanet 447737, MedGen C4225328, MONDO:0014637, OMIM 616433.

Allele frequency attached by ClinVar (database versions not stated): ESP Exome Variant Server 0.00269; TOPMed 0.00196; 1000 Genomes Project 30x 0.00187; 1000 Genomes Project 0.00160; gnomAD 0.00217.
gnomAD v4.1: 567 of 1,614,070 alleles (0.035%); highest among the groups gnomAD compares: African/African-American, 0.68%; no homozygotes.

Submissions (4):

GeneDx
Classification: Uncertain significance. Last evaluated: 2026-04-13. Review status: criteria provided, single submitter. Criteria: GeneDx Variant Classification Process June 2021. Collection method: clinical testing. Allele origin: germline.
Comment: In silico analysis suggests that this missense variant does not alter protein structure/function; Has not been previously published as pathogenic or benign to our knowledge

Women's Health and Genetics/Laboratory Corporation of America, LabCorp
Classification: Likely benign. Last evaluated: 2026-04-01. Review status: criteria provided, single submitter. Criteria: LabCorp Variant Classification Summary - May 2015. Collection method: clinical testing. Allele origin: germline.
Comment: Variant summary: DOCK2 c.5027C>G (p.Pro1676Arg) results in a non-conservative amino acid change in the encoded protein sequence. Algorithms developed to predict the effect of missense changes on protein structure and function are either unavailable or do not agree on the potential impact of this missense change. The variant allele was found at a frequency of 0.00057 in 251302 control chromosomes, predominantly at a frequency of 0.0083 within the African or African-American subpopulation in the gnomAD database. The observed variant frequency within African or African-American control individuals in the gnomAD database exceeds the estimated maximal expected allele frequency for disease-causing variants in DOCK2. To our knowledge, no occurrence of c.5027C>G in individuals affected with DOCK2-related conditions and no experimental evidence demonstrating its impact on protein function have been reported. ClinVar contains an entry for this variant (Variation ID: 785732). Based on the evidence outlined above, the variant was classified as likely benign.

Labcorp Genetics (formerly Invitae), Labcorp
Classification: Likely benign for DOCK2 deficiency. Last evaluated: 2026-01-11. Review status: criteria provided, single submitter. Criteria: Invitae Variant Classification Sherloc (09022015). Collection method: clinical testing. Allele origin: germline.

PreventionGenetics, part of Exact Sciences
Classification: Likely benign for DOCK2-related condition. Last evaluated: 2024-08-14. Review status: no assertion criteria provided. Collection method: clinical testing. Allele origin: germline. Not counted in ClinVar's aggregate classification.
Comment: This variant is classified as likely benign based on ACMG/AMP sequence variant interpretation guidelines (Richards et al. 2015 PMID: 25741868, with internal and published modifications).